The following is an entry in ClinVar:

ClinVar aggregate classification (germline): Likely pathogenic. Review status: criteria provided, multiple submitters, no conflicts (2 of 4 stars). 2 submissions from 2 submitters: Likely pathogenic (2). Last evaluated 2025-12-03.

Conditions:
Glutaric aciduria, type 1. Also called: GA I; Glutaryl-CoA dehydrogenase deficiency; Glutaric acidemia type I; Glutaricacidemia Type 1; Glutaricaciduria, type I; Glutaric Acidemia Type 1. Identifiers: Orphanet 25, MedGen C0268595, MONDO:0009281, OMIM 231670.

Submissions (2):

Dasa
Classification: Likely pathogenic. Last evaluated: 2025-12-03. Review status: criteria provided, single submitter. Criteria: DASA Assertion Criteria. Collection method: clinical testing. Allele origin: germline.
Comment: NM_000159.4(GCDH):c.175C>T (p.Gln59*) is a nonsense variant in GCDH predicted to introduce a premature termination codon and is predicted to result in an absent or altered protein product. Loss of function is an established disease mechanism for GCDH-associated disorders. Also, this variant is absent from population databases. Based on the currently available evidence, this variant is classified as likely pathogenic.

Baylor Genetics
Classification: Likely pathogenic for Glutaric aciduria, type 1. Last evaluated: 2023-01-10. Review status: criteria provided, single submitter. Criteria: ACMG Guidelines, 2015. Collection method: clinical testing. Allele origin: unknown.

NM_000159.4(GCDH):c.175C>T (p.Gln59Ter)

Genes: GCDH (glutaryl-CoA dehydrogenase; plus strand), LOC117125594 (CRISPRi-FlowFISH-validated KLF1 regulatory element; plus strand). Cytogenetic location: 19p13.13.
Variant type: single nucleotide variant.
Coding change: c.175C>T on transcript NM_000159.4 (MANE Select); coding-DNA position 175, C replaced by T.
Protein change: p.Gln59Ter; replaces glutamine 59 with a stop codon.
Molecular consequence: nonsense. On other transcripts: non-coding transcript variant (2).
Genome position (GRCh38, 1-based): chr19:12,891,878, C>T. VCF-style: chr19-12891878-C-T. GRCh37 (hg19) VCF-style: chr19-13002692-C-T.
Other names: c.175C>T, p.Gln59Ter (NM_013976.5); short protein forms Q59*.
Identifiers: ClinVar variation 2675882 (VCV002675882.3), dbSNP rs2512564904, ClinGen allele CA404314995.